The following is an entry in ClinVar:

NM_000891.3(KCNJ2):c.*2262C>T

Gene: KCNJ2 (potassium inwardly rectifying channel subfamily J member 2; plus strand). Cytogenetic location: 17q24.3.
Variant type: single nucleotide variant.
Coding change: c.*2262C>T on transcript NM_000891.3 (MANE Select); 2262 bases downstream of the stop codon, C replaced by T.
Molecular consequence: 3 prime UTR variant.
Genome position (GRCh38, 1-based): chr17:70,178,585, C>T. VCF-style: chr17-70178585-C-T. GRCh37 (hg19) VCF-style: chr17-68174726-C-T.
Identifiers: ClinVar variation 324871 (VCV000324871.29), dbSNP rs575383136, ClinGen allele CA10649979.
Genomic context (GRCh38, chr17:70,178,585, plus strand): 5'-CAAAGAGTATTCAGTGATATGTAAATTAAATGAAGATACAGTGGAGAATGGGGGTGACCA[C>T]AAAAGAGGCTCCCCCTAAACACACAGTGCTGCCACTTAAAAAGACTTGAGAAATTTGAAA-3'

ClinVar aggregate classification (germline): Conflicting classifications of pathogenicity. Review status: criteria provided, conflicting classifications (1 of 4 stars). 4 submissions from 2 submitters: Uncertain significance (1); Benign (3). Last evaluated 2022-08-01.

Conditions:
Andersen Tawil syndrome (LQT7). Also called: PERIODIC PARALYSIS, POTASSIUM-SENSITIVE CARDIODYSRHYTHMIC TYPE; ANDERSEN CARDIODYSRHYTHMIC PERIODIC PARALYSIS; LONG QT SYNDROME 7; Potassium-sensitive periodic paralysis, ventricular ectopy, and dysmorphic features; Andersen Syndrome. Identifiers: Orphanet 37553, MedGen C1563715, MONDO:0008222, OMIM 170390.
Short QT syndrome type 3. Identifiers: Orphanet 51083, MedGen C1865018, MONDO:0012314, OMIM 609622.
Atrial fibrillation, familial, 9 (ATFB9). Identifiers: MedGen C3151431, MONDO:0013513, OMIM 613980.

Allele frequency attached by ClinVar (database versions not stated): 1000 Genomes Project 0.00120; 1000 Genomes Project 30x 0.00125; TOPMed 0.00192; gnomAD 0.00279 and 0.00298; gnomAD exomes 0.00324.

Submissions (4):

CeGaT Center for Human Genetics Tuebingen
Classification: Benign. Last evaluated: 2022-08-01. Review status: criteria provided, single submitter. Criteria: CeGaT Center For Human Genetics Tuebingen Variant Classification Criteria Version 2. Collection method: clinical testing. Allele origin: germline. Affected: yes. Observed: 2 variant alleles.
Comment: KCNJ2: BS1, BS2

Illumina Laboratory Services, Illumina
Classification: Uncertain significance for Atrial fibrillation, familial, 9. Last evaluated: 2018-01-13. Review status: criteria provided, single submitter. Criteria: ICSL Variant Classification Criteria 13 December 2019. Collection method: clinical testing. Allele origin: germline.

Illumina Laboratory Services, Illumina
Classification: Benign for Andersen Tawil syndrome. Last evaluated: 2018-01-13. Review status: criteria provided, single submitter. Criteria: ICSL Variant Classification Criteria 13 December 2019. Collection method: clinical testing. Allele origin: germline.
Comment: This variant was observed in the ICSL laboratory as part of a predisposition screen in an ostensibly healthy population. It had not been previously curated by ICSL or reported in the Human Gene Mutation Database (HGMD: prior to June 1st, 2018), and was therefore a candidate for classification through an automated scoring system. Utilizing variant allele frequency, disease prevalence and penetrance estimates, and inheritance mode, an automated score was calculated to assess if this variant is too frequent to cause the disease. Based on the score and internal cut-off values, a variant classified as benign is not then subjected to further curation. The score for this variant resulted in a classification of benign for this disease.

Illumina Laboratory Services, Illumina
Classification: Benign for Short QT syndrome type 3. Last evaluated: 2018-01-13. Review status: criteria provided, single submitter. Criteria: ICSL Variant Classification Criteria 13 December 2019. Collection method: clinical testing. Allele origin: germline.
Comment: the same text as in the submission from Illumina Laboratory Services, Illumina above.